The following is an entry in ClinVar:

ClinVar aggregate classification (germline): Uncertain significance (1 of 4 stars; one submission).

Allele frequency attached by ClinVar (database versions not stated): gnomAD exomes below 0.00001 and 0.00001; ExAC 0.00001; TOPMed 0.00003; gnomAD 0.00001.
gnomAD v4.1: 6 of 1,575,222 alleles (0.00038%); highest among the groups gnomAD compares: South Asian, 0.0012%; no homozygotes.

Submissions (2):

Labcorp Genetics (formerly Invitae), Labcorp
Classification: Uncertain significance. Last evaluated: 2021-05-18. Review status: criteria provided, single submitter. Criteria: Invitae Variant Classification Sherloc (09022015). Collection method: clinical testing. Allele origin: germline.
Comment: In summary, the available evidence is currently insufficient to determine the role of this variant in disease. Therefore, it has been classified as a Variant of Uncertain Significance. Algorithms developed to predict the effect of missense changes on protein structure and function (SIFT, PolyPhen-2, Align-GVGD) all suggest that this variant is likely to be tolerated, but these predictions have not been confirmed by published functional studies and their clinical significance is uncertain. This variant has not been reported in the literature in individuals with PPCS-related conditions. This variant is present in population databases (rs569793059, ExAC 0.002%). This sequence change replaces valine with isoleucine at codon 22 of the PPCS protein (p.Val22Ile). The valine residue is weakly conserved and there is a small physicochemical difference between valine and isoleucine.

Dr. Peter K. Rogan Lab, Western University
No classification provided (evidence only). Condition: Uterine carcinosarcoma. Review status: no classification provided. Collection method: in vitro. Allele origin: not applicable. Functional consequence: retained intron. Not counted in ClinVar's aggregate classification.

NM_024664.4(PPCS):c.64G>A (p.Val22Ile)

Genes: CCDC30 (coiled-coil domain containing 30; plus strand), PPCS (phosphopantothenoylcysteine synthetase; plus strand), LOC129930343 (ATAC-STARR-seq lymphoblastoid active region 893; plus strand). Cytogenetic location: 1p34.2.
Variant type: single nucleotide variant.
Coding change: c.64G>A on transcript NM_024664.4 (MANE Select); coding-DNA position 64, G replaced by A.
Protein change: p.Val22Ile; replaces valine 22 with isoleucine.
Molecular consequence: missense variant. On other transcripts: 5 prime UTR variant (2), intron variant (4), splice donor variant (1).
Genome position (GRCh38, 1-based): chr1:42,456,629, G>A. VCF-style: chr1-42456629-G-A. GRCh37 (hg19) VCF-style: chr1-42922300-G-A.
Other names: c.-107G>A (NM_001287508.2); c.-629G>A (NM_001287510.2); c.64G>A, p.Val22Ile (NM_001287511.2); c.-984+130G>A (NM_001355226.2); c.-328+130G>A (NM_001287507.1); c.-12+130G>A (NM_001287506.1); c.-12+1G>A (NM_001077447.3); c.-12+46G>A (NM_001287509.2); short protein forms V22I.
Identifiers: ClinVar variation 1377509 (VCV001377509.8), dbSNP rs569793059, ClinGen allele CA799895.